The following is an entry in ClinVar:

NM_001370259.2(MEN1):c.1454G>A (p.Arg485Gln)

Gene: MEN1 (menin 1; minus strand). Cytogenetic location: 11q13.1.
Variant type: single nucleotide variant.
Coding change: c.1454G>A on transcript NM_001370259.2 (MANE Select); coding-DNA position 1454, G replaced by A.
Protein change: p.Arg485Gln; replaces arginine 485 with glutamine.
Molecular consequence: missense variant.
Genome position (GRCh38, 1-based): chr11:64,804,713, C>T on the plus strand (G>A on the coding strand, the complement: MEN1 is on the minus strand). VCF-style: chr11-64804713-C-T. GRCh37 (hg19) VCF-style: chr11-64572185-C-T.
Other names: c.1469G>A, p.Arg490Gln (NM_000244.4, NM_130800.3, NM_130801.3 and 3 more transcripts); c.1580G>A, p.Arg527Gln (NM_001370251.2); c.1454G>A, p.Arg485Gln (NM_001370260.2, NM_001370261.2, NM_130799.3); c.1349G>A, p.Arg450Gln (NM_001370262.2, NM_001370263.2); short protein forms R450Q, R485Q, R490Q, R527Q.
Identifiers: ClinVar variation 1056025 (VCV001056025.12), dbSNP rs2136089297, ClinGen allele CA381179239.

ClinVar aggregate classification (germline): Uncertain significance. Review status: criteria provided, multiple submitters, no conflicts (2 of 4 stars). 3 submissions from 3 submitters: Uncertain significance (3). Last evaluated 2024-08-13.

Conditions:
Hereditary cancer-predisposing syndrome. Also called: Hereditary Cancer Syndrome; Tumor predisposition; Hereditary neoplastic syndrome; Neoplastic Syndromes, Hereditary. Identifiers: Orphanet 140162, MedGen C0027672, MeSH D009386, MONDO:0015356.
Multiple endocrine neoplasia, type 1 (MEN1). Also called: MEN I; WERMER SYNDROME; Endocrine adenomatosis multiple; MEN 1; MEA I. Identifiers: Orphanet 652, MedGen C0025267, MeSH D018761, MONDO:0007540, OMIM 131100.

Submissions (3):

All of Us Research Program, National Institutes of Health
Classification: Uncertain significance for Multiple endocrine neoplasia, type 1. Last evaluated: 2024-08-13. Review status: criteria provided, single submitter. Criteria: ACMG Guidelines, 2015. Collection method: clinical testing. Allele origin: germline. Inheritance: Autosomal dominant inheritance. Observed: 1 variant allele, 1 heterozygote.
Comment: This missense variant replaces arginine with glutamine at codon 485 of the MEN1 protein. Computational prediction is inconclusive regarding the impact of this variant on protein structure and function (internally defined REVEL score threshold 0.5 < inconclusive < 0.7, PMID: 27666373). To our knowledge, functional studies have not been reported for this variant. This variant has not been reported in individuals affected with MEN1-related disorders in the literature. This variant has not been identified in the general population by the Genome Aggregation Database (gnomAD). The available evidence is insufficient to determine the role of this variant in disease conclusively. Therefore, this variant is classified as a Variant of Uncertain Significance.

This study involves interpretation of variants in research participants for the purpose of population health screening. Participant phenotype was not available at the time of variant classification. Additional details can be found in publication PMID: 35346344, PMCID: PMC8962531

Labcorp Genetics (formerly Invitae), Labcorp
Classification: Uncertain significance for Multiple endocrine neoplasia, type 1. Last evaluated: 2023-07-25. Review status: criteria provided, single submitter. Criteria: Invitae Variant Classification Sherloc (09022015). Collection method: clinical testing. Allele origin: germline.
Comment: In summary, the available evidence is currently insufficient to determine the role of this variant in disease. Therefore, it has been classified as a Variant of Uncertain Significance. Advanced modeling of protein sequence and biophysical properties (such as structural, functional, and spatial information, amino acid conservation, physicochemical variation, residue mobility, and thermodynamic stability) performed at Invitae indicates that this missense variant is expected to disrupt MEN1 protein function. This sequence change replaces arginine, which is basic and polar, with glutamine, which is neutral and polar, at codon 485 of the MEN1 protein (p.Arg485Gln). This variant is not present in population databases (gnomAD no frequency). This variant has not been reported in the literature in individuals affected with MEN1-related conditions. ClinVar contains an entry for this variant (Variation ID: 1056025).

Ambry Genetics
Classification: Uncertain significance for Hereditary cancer-predisposing syndrome. Last evaluated: 2017-01-25. Review status: criteria provided, single submitter. Criteria: Ambry Variant Classification Scheme 2023. Collection method: clinical testing. Allele origin: germline.
Comment: The p.R485Q variant (also known as c.1454G>A), located in coding exon 9 of the MEN1 gene, results from a G to A substitution at nucleotide position 1454. The arginine at codon 485 is replaced by glutamine, an amino acid with highly similar properties. This amino acid position is highly conserved in available vertebrate species. In addition, the in silico prediction for this alteration is inconclusive. Since supporting evidence is limited at this time, the clinical significance of this alteration remains unclear.